The following is an entry in ClinVar:

NM_001387889.1(SFMBT2):c.1104C>T (p.Ser368=)

Gene: SFMBT2 (Scm like with four mbt domains 2; minus strand). Cytogenetic location: 10p14.
Variant type: single nucleotide variant.
Coding change: c.1104C>T on transcript NM_001387889.1 (MANE Select); coding-DNA position 1104, C replaced by T.
Protein change: p.Ser368=; no amino-acid change (serine 368 retained).
Molecular consequence: synonymous variant.
Genome position (GRCh38, 1-based): chr10:7,243,574, G>A on the plus strand (C>T on the coding strand, the complement: SFMBT2 is on the minus strand). VCF-style: chr10-7243574-G-A. GRCh37 (hg19) VCF-style: chr10-7285536-G-A.
Other names: c.348C>T, p.Ser116= (NM_001387890.1); c.1104C>T, p.Ser368= (NM_001387891.1, NM_001018039.1, NM_001029880.3).
Identifiers: ClinVar variation 2640292 (VCV002640292.24), dbSNP rs761046317, ClinGen allele CA5400337.
Genomic context (GRCh38, chr10:7,243,574, plus strand): 5'-CCTCCTGAATCTCCAGACCCTGCATACCTTCACAGAATACAAACCTTTGGGAGGAGTGAG[G>A]CTGACTCCATTTTTAAGGCACCACTGTACTGGCAAAATCCCCAAAGAATCTGCATGGCAC-3'
Protein context (NP_001374818.1, residues 358-378): PVQWCLKNGV[Ser368=]LTPPKGYSGQ

ClinVar aggregate classification (germline): Likely benign (1 of 4 stars; one submission).

Allele frequency attached by ClinVar (database versions not stated): ExAC 0.00003; gnomAD 0.00003; TOPMed 0.00003; gnomAD exomes 0.00004.
gnomAD v4.1: 36 of 872,694 alleles (0.0041%); highest among the groups gnomAD compares: Middle Eastern, 0.13%; no homozygotes.

Submission:

CeGaT Center for Human Genetics Tuebingen
Classification: Likely benign. Last evaluated: 2022-12-01. Review status: criteria provided, single submitter. Criteria: CeGaT Center For Human Genetics Tuebingen Variant Classification Criteria Version 2. Collection method: clinical testing. Allele origin: germline. Affected: yes. Observed: 1 variant allele.
Comment: SFMBT2: BP4, BP7